The following is an entry in ClinVar:

NM_024496.4(IRF2BPL):c.516_543del (p.Tyr173fs)

Gene: IRF2BPL (interferon regulatory factor 2 binding protein like; minus strand). Cytogenetic location: 14q24.3.
Variant type: Deletion.
Coding change: c.516_543del on transcript NM_024496.4 (MANE Select); coding-DNA positions 516 to 543, 28 bases deleted (GTACCCGCCACCGCCGGTGAGCCTGGGA).
Protein change: p.Tyr173fs; shifts the reading frame from tyrosine 173.
Molecular consequence: frameshift variant.
Genome position (GRCh38, 1-based): chr14:77,027,250-77,027,277, TCCCAGGCTCACCGGCGGTGGCGGGTAC deleted on the plus strand (GTACCCGCCACCGCCGGTGAGCCTGGGA on the coding strand, the reverse complement: IRF2BPL is on the minus strand); deleting any 28 consecutive bases within chr14:77,027,250-77,027,279 gives the same sequence; the c. name uses the placement nearest the transcript's 3' end. VCF-style (leftmost placement, unchanged base first): chr14-77027249-TTCCCAGGCTCACCGGCGGTGGCGGGTAC-T. GRCh37 (hg19) VCF-style: chr14-77493592-TTCCCAGGCTCACCGGCGGTGGCGGGTAC-T.
Other names: short protein forms Y173fs.
Identifiers: ClinVar variation 1675544 (VCV001675544.33), dbSNP rs2139975910, ClinGen allele CA2573150240.

ClinVar aggregate classification (germline): Pathogenic (1 of 4 stars; one submission).

Submission:

CeGaT Center for Human Genetics Tuebingen
Classification: Pathogenic. Last evaluated: 2022-03-01. Review status: criteria provided, single submitter. Criteria: CeGaT Center For Human Genetics Tuebingen Variant Classification Criteria Version 2. Collection method: clinical testing. Allele origin: germline. Affected: yes. Observed: 1 variant allele.
Comment: IRF2BPL: PVS1, PM2, PM6